The following is an entry in ClinVar:

ClinVar aggregate classification (germline): Conflicting classifications of pathogenicity. Review status: criteria provided, conflicting classifications (1 of 4 stars). 11 submissions from 10 submitters: Uncertain significance (9); Likely benign (2). Last evaluated 2026-01-28.

Conditions:
RYR1-related disorder. Also called: RYR1-related condition; RYR1-related disorders. Identifiers: MedGen CN239331.
Congenital multicore myopathy with external ophthalmoplegia (CMYO1B). Also called: Minicore myopathy with external ophthalmoplegia; MULTIMINICORE DISEASE WITH EXTERNAL OPHTHALMOPLEGIA; Congenital myopathy 1B, autosomal recessive; Minicore myopathy; MULTICORE MYOPATHY. Identifiers: Orphanet 598, Orphanet 98905, MedGen C1850674, MONDO:0009712, OMIM 255320, HP:0003789.
Central core myopathy (CMYO1A). Also called: CONGENITAL MYOPATHY 1A, AUTOSOMAL DOMINANT, WITH SUSCEPTIBILITY TO MALIGNANT HYPERTHERMIA; Central core disease; Myopathy, central fibrillar. Identifiers: Orphanet 597, MedGen C5830701, MONDO:0007294, OMIM 117000.
Malignant hyperthermia, susceptibility to, 1 (MHS1). Also called: Malignant hyperthermia suceptibility 1; RYR1-Related Malignant Hyperthermia Susceptibility; Anesthesia related hyperthermia; Malignant hyperpyrexia; Fulminating hyperpyrexia; Pharmacogenic myopathy. Identifiers: Orphanet 423, MedGen C2930980, MONDO:0007783, OMIM 145600.
Inborn genetic diseases. Identifiers: MedGen C0950123, MeSH D030342.

Allele frequency attached by ClinVar (database versions not stated): ExAC 0.00004; gnomAD exomes 0.00004 and 0.00008; gnomAD 0.00006; TOPMed 0.00012; ESP Exome Variant Server 0.00015.
gnomAD v4.1: 121 of 1,613,880 alleles (0.0075%); highest among the groups gnomAD compares: Middle Eastern, 0.033%; no homozygotes.

Submissions (11):

Labcorp Genetics (formerly Invitae), Labcorp
Classification: Uncertain significance for RYR1-related disorder. Last evaluated: 2026-01-28. Review status: criteria provided, single submitter. Criteria: Invitae Variant Classification Sherloc (09022015). Collection method: clinical testing. Allele origin: germline.
Comment: This sequence change replaces valine, which is neutral and non-polar, with isoleucine, which is neutral and non-polar, at codon 786 of the RYR1 protein (p.Val786Ile). This variant is present in population databases (rs369281291, gnomAD 0.01%). This variant has not been reported in the literature in individuals affected with RYR1-related conditions. ClinVar contains an entry for this variant (Variation ID: 328996). Invitae Evidence Modeling of protein sequence and biophysical properties (such as structural, functional, and spatial information, amino acid conservation, physicochemical variation, residue mobility, and thermodynamic stability) indicates that this missense variant is not expected to disrupt RYR1 protein function with a negative predictive value of 95%. In summary, the available evidence is currently insufficient to determine the role of this variant in disease. Therefore, it has been classified as a Variant of Uncertain Significance.

Color Diagnostics, LLC DBA Color Health
Classification: Uncertain significance for Malignant hyperthermia, susceptibility to, 1. Last evaluated: 2025-11-17. Review status: criteria provided, single submitter. Criteria: ACMG Guidelines, 2015. Collection method: clinical testing. Allele origin: germline.
Comment: This missense variant replaces valine with isoleucine at codon 786 of the RYR1 protein. Computational prediction suggests that this variant may not impact protein structure and function. To our knowledge, functional studies have not been reported for this variant. This variant has not been reported in individuals affected with RYR1-related disorders in the literature. This variant has been identified in 13/282336 chromosomes in the general population by the Genome Aggregation Database (gnomAD). The available evidence is insufficient to determine the role of this variant in disease conclusively. Therefore, this variant is classified as a Variant of Uncertain Significance.

Revvity Omics, Revvity
Classification: Uncertain significance. Last evaluated: 2025-02-18. Review status: criteria provided, single submitter. Criteria: ACMG Guidelines, 2015. Collection method: clinical testing. Allele origin: germline.

Blueprint Genetics
Classification: Uncertain significance. Last evaluated: 2024-11-25. Review status: criteria provided, single submitter. Criteria: ACMG Guidelines, 2015. Collection method: clinical testing. Allele origin: germline.

GeneDx
Classification: Uncertain significance. Last evaluated: 2024-09-11. Review status: criteria provided, single submitter. Criteria: GeneDx Variant Classification Process June 2021. Collection method: clinical testing. Allele origin: germline. Affected: yes.
Comment: Not observed at significant frequency in large population cohorts (gnomAD); In silico analysis indicates that this missense variant does not alter protein structure/function; Has not been previously published as pathogenic or benign to our knowledge

All of Us Research Program, National Institutes of Health
Classification: Uncertain significance for Malignant hyperthermia, susceptibility to, 1. Last evaluated: 2024-08-06. Review status: criteria provided, single submitter. Criteria: ACMG Guidelines, 2015. Collection method: clinical testing. Allele origin: germline. Inheritance: Autosomal dominant inheritance. Observed: 24 variant alleles, 24 heterozygotes.
Comment: This missense variant replaces valine with isoleucine at codon 786 of the RYR1 protein. Computational prediction suggests that this variant may not impact protein structure and function (internally defined REVEL score threshold <= 0.5, PMID: 27666373). To our knowledge, functional studies have not been reported for this variant. This variant has not been reported in individuals affected with RYR1-related disorders in the literature. This variant has been identified in 13/282336 chromosomes in the general population by the Genome Aggregation Database (gnomAD). The available evidence is insufficient to determine the role of this variant in disease conclusively. Therefore, this variant is classified as a Variant of Uncertain Significance.

This study involves interpretation of variants in research participants for the purpose of population health screening. Participant phenotype was not available at the time of variant classification. Additional details can be found in publication PMID: 35346344, PMCID: PMC8962531

Genomic Medicine Center of Excellence, King Faisal Specialist Hospital and Research Centre
Classification: Uncertain significance for Central core myopathy. Last evaluated: 2024-04-04. Review status: criteria provided, single submitter. Criteria: ACMG Guidelines, 2015. Collection method: clinical testing. Allele origin: germline.

Ambry Genetics
Classification: Likely benign for Inborn genetic diseases. Last evaluated: 2022-03-29. Review status: criteria provided, single submitter. Criteria: Ambry Variant Classification Scheme 2023. Collection method: clinical testing. Allele origin: germline.

Illumina Laboratory Services, Illumina
Classification: Uncertain significance for Congenital multicore myopathy with external ophthalmoplegia. Last evaluated: 2018-01-12. Review status: criteria provided, single submitter. Criteria: ICSL Variant Classification Criteria 13 December 2019. Collection method: clinical testing. Allele origin: germline.

Illumina Laboratory Services, Illumina
Classification: Uncertain significance for Malignant hyperthermia, susceptibility to, 1. Last evaluated: 2018-01-12. Review status: criteria provided, single submitter. Criteria: ICSL Variant Classification Criteria 13 December 2019. Collection method: clinical testing. Allele origin: germline.

CeGaT Center for Human Genetics Tuebingen
Classification: Likely benign. Last evaluated: 2017-08-01. Review status: criteria provided, single submitter. Criteria: CeGaT Center For Human Genetics Tuebingen Variant Classification Criteria Version 2. Collection method: clinical testing. Allele origin: germline. Affected: yes. Observed: 1 variant allele.

NM_000540.3(RYR1):c.2356G>A (p.Val786Ile)

Gene: RYR1 (ryanodine receptor 1; plus strand). Cytogenetic location: 19q13.2.
Variant type: single nucleotide variant.
Coding change: c.2356G>A on transcript NM_000540.3 (MANE Select); coding-DNA position 2356, G replaced by A.
Protein change: p.Val786Ile; replaces valine 786 with isoleucine.
Molecular consequence: missense variant.
Genome position (GRCh38, 1-based): chr19:38,459,334, G>A. VCF-style: chr19-38459334-G-A. GRCh37 (hg19) VCF-style: chr19-38949974-G-A.
Other names: c.2356G>A, p.Val786Ile (NM_001042723.2); short protein forms V786I.
Identifiers: ClinVar variation 328996 (VCV000328996.61), dbSNP rs369281291, ClinGen allele CA063123.